The following is an entry in ClinVar:

NM_000051.4(ATM):c.6589C>T (p.Gln2197Ter)

Genes: ATM (ATM serine/threonine kinase; plus strand), C11orf65 (chromosome 11 open reading frame 65; minus strand). Cytogenetic location: 11q22.3.
Variant type: single nucleotide variant.
Coding change: c.6589C>T on transcript NM_000051.4 (MANE Select); coding-DNA position 6589, C replaced by T.
Protein change: p.Gln2197Ter; replaces glutamine 2197 with a stop codon.
Molecular consequence: nonsense. On other transcripts: intron variant (2).
Genome position (GRCh38, 1-based): chr11:108,325,326, C>T. VCF-style: chr11-108325326-C-T. GRCh37 (hg19) VCF-style: chr11-108196053-C-T.
Other names: c.6589C>T, p.Gln2197Ter (NM_001351834.2); c.641-16255G>A (NM_001330368.2); c.*38+9894G>A (NM_001351110.2); short protein forms Q2197*.
Identifiers: ClinVar variation 1754336 (VCV001754336.2), dbSNP rs2136307553, ClinGen allele CA382554676.
Genomic context (GRCh38, chr11:108,325,326, plus strand): 5'-TTTCATTTCTCTTGCTTACATGAACTCTATGTCGTGGCATTCAGATCAGTCACACATAGA[C>T]AACTCTCTGAAGTATATATTAAGTGGCAGAAACACTCCCAGCTTCTCAAGGACAGTGATT-3'

ClinVar aggregate classification (germline): Pathogenic (1 of 4 stars; one submission).

Conditions:
Hereditary cancer-predisposing syndrome. Also called: Hereditary neoplastic syndrome; Neoplastic Syndromes, Hereditary; Tumor predisposition; Hereditary Cancer Syndrome. Identifiers: Orphanet 140162, MedGen C0027672, MeSH D009386, MONDO:0015356.

Submission:

Ambry Genetics
Classification: Pathogenic for Hereditary cancer-predisposing syndrome. Last evaluated: 2021-11-15. Review status: criteria provided, single submitter. Criteria: Ambry Variant Classification Scheme 2023. Collection method: clinical testing. Allele origin: germline.
Comment: The p.Q2197* pathogenic mutation (also known as c.6589C>T), located in coding exon 45 of the ATM gene, results from a C to T substitution at nucleotide position 6589. This changes the amino acid from a glutamine to a stop codon within coding exon 45. This variant is considered to be rare based on population cohorts in the Genome Aggregation Database (gnomAD). This alteration is expected to result in loss of function by premature protein truncation or nonsense-mediated mRNA decay. As such, this alteration is interpreted as a disease-causing mutation.